The following is an entry in ClinVar:

NM_007294.4(BRCA1):c.4415_4417delinsGG (p.Leu1472fs)

Gene: BRCA1 (BRCA1 DNA repair associated; minus strand). Cytogenetic location: 17q21.31.
Variant type: Indel.
Coding change: c.4415_4417delinsGG on transcript NM_007294.4 (MANE Select); coding-DNA positions 4415 to 4417, TTT replaced by GG.
Protein change: p.Leu1472fs; shifts the reading frame from leucine 1472.
Molecular consequence: frameshift variant. On other transcripts: intron variant (3).
Genome position (GRCh38, 1-based): chr17:43,076,555-43,076,557, AAA replaced by CC on the plus strand (TTT replaced by GG on the coding strand, the reverse complement: BRCA1 is on the minus strand). VCF-style: chr17-43076555-AAA-CC. GRCh37 (hg19) VCF-style: chr17-41228572-AAA-CC.
Other names: c.4478_4480delinsGG, p.Leu1493fs (NM_001407583.1, NM_001407585.1, NM_001407587.1 and 1 more transcripts); c.4475_4477delinsGG, p.Leu1492fs (NM_001407590.1, NM_001407591.1); c.4415_4417delinsGG, p.Leu1472fs (NM_001407593.1, NM_001407594.1, NM_001407596.1 and 8 more transcripts); c.4412_4414delinsGG, p.Leu1471fs (NM_001407610.1, NM_001407611.1, NM_001407612.1 and 17 more transcripts); c.1025_1027delinsGG, p.Leu342fs (NM_001408412.1, NM_001408413.1, NM_001408414.1 and 2 more transcripts); c.989_991delinsGG, p.Leu330fs (NM_001408418.1, NM_001408419.1, NM_001408420.1); c.986_988delinsGG, p.Leu329fs (NM_001408421.1, NM_001408422.1, NM_001408423.1 and 1 more transcripts); c.983_985delinsGG, p.Leu328fs (NM_001408425.1, NM_001408426.1, NM_001408427.1 and 4 more transcripts); and 72 more; short protein forms L1175fs, L1176fs, L1303fs, L1343fs, L1344fs, L1345fs, L1359fs, L1360fs.
Identifiers: ClinVar variation 2583854 (VCV002583854.2), dbSNP rs886040231, ClinGen allele CA2582342173.

ClinVar aggregate classification (germline): Pathogenic (1 of 4 stars; one submission).

Conditions:
Breast-ovarian cancer, familial, susceptibility to, 1 (BROVCA1). Also called: BRCA1 Hereditary Breast and Ovarian Cancer; OVARIAN CANCER, SUSCEPTIBILITY TO. Identifiers: Orphanet 145, MedGen C2676676, MONDO:0011450, OMIM 604370. Disease mechanism: loss of function.

Submission:

Myriad Genetics, Inc.
Classification: Pathogenic for Breast-ovarian cancer, familial, susceptibility to, 1. Last evaluated: 2023-06-22. Review status: criteria provided, single submitter. Criteria: Myriad Autosomal Dominant, Autosomal Recessive and X-Linked Classification Criteria (2023). Collection method: clinical testing. Allele origin: unknown.
Comment: This variant is considered pathogenic. This variant creates a frameshift predicted to result in premature protein truncation.